The following is an entry in ClinVar:

ClinVar aggregate classification (germline): Likely benign (1 of 4 stars; one submission).

Conditions:
Neuronal ceroid lipofuscinosis. Also called: Neuronal Ceroid Lipofuscinoses. Identifiers: Orphanet 216, Orphanet 79263, MedGen C0027877, MONDO:0016295. Disease mechanism: loss of function.

Allele frequency attached by ClinVar (database versions not stated): gnomAD exomes 0.00020; 1000 Genomes Project 0.00260; 1000 Genomes Project 30x 0.00281; gnomAD 0.00297 and 0.00316; TOPMed 0.00337.
gnomAD v4.1: 454 of 162,404 alleles (0.28%); highest among the groups gnomAD compares: Middle Eastern, 1.3%; 3 homozygotes.

Submission:

Illumina Laboratory Services, Illumina
Classification: Likely benign for Neuronal ceroid lipofuscinosis. Last evaluated: 2018-01-13. Review status: criteria provided, single submitter. Criteria: ICSL Variant Classification Criteria 13 December 2019. Collection method: clinical testing. Allele origin: germline.
Comment: This variant was observed in the ICSL laboratory as part of a predisposition screen in an ostensibly healthy population. It had not been previously curated by ICSL or reported in the Human Gene Mutation Database (HGMD: prior to June 1st, 2018), and was therefore a candidate for classification through an automated scoring system. Utilizing variant allele frequency, disease prevalence and penetrance estimates, and inheritance mode, an automated score was calculated to assess if this variant is too frequent to cause the disease. Based on the score and internal cut-off values, a variant classified as likely benign is not then subjected to further curation. The score for this variant resulted in a classification of likely benign for this disease.

NM_017882.3(CLN6):c.*655C>T

Gene: CLN6 (CLN6 transmembrane ER protein; minus strand). Cytogenetic location: 15q23.
Variant type: single nucleotide variant.
Coding change: c.*655C>T on transcript NM_017882.3 (MANE Select); 655 bases downstream of the stop codon, C replaced by T.
Molecular consequence: 3 prime UTR variant.
Genome position (GRCh38, 1-based): chr15:68,207,485, G>A on the plus strand (C>T on the coding strand, the complement: CLN6 is on the minus strand). VCF-style: chr15-68207485-G-A. GRCh37 (hg19) VCF-style: chr15-68499823-G-A.
Identifiers: ClinVar variation 885099 (VCV000885099.4), dbSNP rs571329883, ClinGen allele CA272382287.